The following is an entry in ClinVar:

ClinVar aggregate classification (germline): Likely benign. Review status: criteria provided, multiple submitters, no conflicts (2 of 4 stars). 2 submissions from 2 submitters: Likely benign (2). Last evaluated 2024-12-27.

Conditions:
WDPCP-related disorder. Also called: WDPCP-related condition.
Bardet-Biedl syndrome (BBS). Identifiers: Orphanet 110, MedGen C0752166, MONDO:0015229.

Allele frequency attached by ClinVar (database versions not stated): gnomAD exomes below 0.00001; gnomAD 0.00001.
gnomAD v4.1: 2 of 1,609,590 alleles (0.00012%); highest among the groups gnomAD compares: Admixed American, 0.0017%; no homozygotes.

Submissions (2):

PreventionGenetics, part of Exact Sciences
Classification: Likely benign for WDPCP-related condition. Last evaluated: 2024-12-27. Review status: criteria provided, single submitter. Criteria: ACMG Guidelines, 2015. Collection method: clinical testing. Allele origin: germline.
Comment: This variant is classified as likely benign based on ACMG/AMP sequence variant interpretation guidelines (Richards et al. 2015 PMID: 25741868, with internal and published modifications).

Labcorp Genetics (formerly Invitae), Labcorp
Classification: Likely benign for Bardet-Biedl syndrome. Last evaluated: 2021-04-23. Review status: criteria provided, single submitter. Criteria: Invitae Variant Classification Sherloc (09022015). Collection method: clinical testing. Allele origin: germline.

NM_015910.7(WDPCP):c.2190+8A>G

Gene: WDPCP (WD repeat containing planar cell polarity effector; minus strand). Cytogenetic location: 2p15.
Variant type: single nucleotide variant.
Coding change: c.2190+8A>G on transcript NM_015910.7 (MANE Select); 8 bases into the intron after coding-DNA position 2190, A replaced by G.
Molecular consequence: intron variant.
Genome position (GRCh38, 1-based): chr2:63,152,906, T>C on the plus strand (A>G on the coding strand, the complement: WDPCP is on the minus strand). VCF-style: chr2-63152906-T-C. GRCh37 (hg19) VCF-style: chr2-63380041-T-C.
Other names: c.2118+8A>G (NM_001354044.2); c.1713+8A>G (NM_001042692.3); c.2190+8A>G (NM_015910.5).
Identifiers: ClinVar variation 1586490 (VCV001586490.9), dbSNP rs1303386488, ClinGen allele CA533463941.
Genomic context (GRCh38, chr2:63,152,906, plus strand): 5'-TAATCACATACATTATGCTTTTCTCTTAGAATTTAAATGTCTAGTAATAAACAGAGAAAG[T>C]GTTTTACCTGTTCTCTGCCGTCTTCTCTCAGTTCTCCGTCTAAAGTAAAAGATTAAAACA-3'